The following is an entry in ClinVar:

ClinVar aggregate classification (germline): Uncertain significance (1 of 4 stars; one submission).

Conditions:
Inborn genetic diseases. Identifiers: MedGen C0950123, MeSH D030342.

Submission:

Ambry Genetics
Classification: Uncertain significance for Inborn genetic diseases. Last evaluated: 2025-06-04. Review status: criteria provided, single submitter. Criteria: Ambry Variant Classification Scheme 2023. Collection method: clinical testing. Allele origin: germline.
Comment: The p.D98N variant (also known as c.292G>A), located in coding exon 2 of the RTEL1 gene, results from a G to A substitution at nucleotide position 292. The aspartic acid at codon 98 is replaced by asparagine, an amino acid with highly similar properties. This amino acid position is conserved. In addition, this alteration is predicted to be tolerated by in silico analysis. Based on the available evidence, the clinical significance of this variant remains unclear.

NM_001283009.2(RTEL1):c.292G>A (p.Asp98Asn)

Genes: RTEL1 (regulator of telomere elongation helicase 1; plus strand), RTEL1-TNFRSF6B (RTEL1-TNFRSF6B readthrough (NMD candidate); plus strand). Cytogenetic location: 20q13.33.
Variant type: single nucleotide variant.
Coding change: c.292G>A on transcript NM_001283009.2 (MANE Select); coding-DNA position 292, G replaced by A.
Protein change: p.Asp98Asn; replaces aspartic acid 98 with asparagine.
Molecular consequence: missense variant. On other transcripts: non-coding transcript variant (1), 5 prime UTR variant (1).
Genome position (GRCh38, 1-based): chr20:63,661,487, G>A. VCF-style: chr20-63661487-G-A. GRCh37 (hg19) VCF-style: chr20-62292840-G-A.
Other names: c.-378G>A (NM_001283010.1); c.292G>A, p.Asp98Asn (NM_016434.4, NM_032957.5); short protein forms D98N.
Identifiers: ClinVar variation 3948450 (VCV003948450.1).
Genomic context (GRCh38, chr20:63,661,487, plus strand): 5'-GGAGAGCTTTTCCCGGATCGGGCCTTGTCATCCTGGGGCAACGCTGCTGCTGCTGCTGGA[G>A]ACCCCATAGGTGACCCTAGTTCCCAGGCCTCTCCTGGCCTCCTGTGGGGATGGTTGGCAA-3'
Protein context (NP_001269938.1, residues 88-108): SWGNAAAAAG[Asp98Asn]PIACYTDIPK